The following is an entry in ClinVar:

ClinVar aggregate classification (germline): Uncertain significance. Review status: criteria provided, multiple submitters, no conflicts (2 of 4 stars). 2 submissions from 2 submitters: Uncertain significance (2). Last evaluated 2026-04-27.

Conditions:
Hereditary cancer-predisposing syndrome. Also called: Tumor predisposition; Hereditary Cancer Syndrome; Neoplastic Syndromes, Hereditary; Hereditary neoplastic syndrome. Identifiers: Orphanet 140162, MedGen C0027672, MeSH D009386, MONDO:0015356.
Hereditary diffuse gastric adenocarcinoma (HDGC). Also called: DIFFUSE GASTRIC AND LOBULAR BREAST CANCER SYNDROME. Identifiers: Orphanet 26106, MedGen C1708349, MONDO:0007648, OMIM 137215.

Submissions (2):

Ambry Genetics
Classification: Uncertain significance for Hereditary cancer-predisposing syndrome. Last evaluated: 2026-04-27. Review status: criteria provided, single submitter. Criteria: Ambry Variant Classification Scheme 2023. Collection method: clinical testing. Allele origin: germline.
Comment: The p.H123D variant (also known as c.367C>G), located in coding exon 3 of the CDH1 gene, results from a C to G substitution at nucleotide position 367. The histidine at codon 123 is replaced by aspartic acid, an amino acid with similar properties. This amino acid position is not well conserved in available vertebrate species. In addition, this alteration is predicted to be tolerated by in silico analysis. Based on the available evidence, the clinical significance of this variant remains unclear.

Labcorp Genetics (formerly Invitae), Labcorp
Classification: Uncertain significance for Hereditary diffuse gastric adenocarcinoma. Last evaluated: 2022-02-27. Review status: criteria provided, single submitter. Criteria: Invitae Variant Classification Sherloc (09022015). Collection method: clinical testing. Allele origin: germline.
Comment: In summary, the available evidence is currently insufficient to determine the role of this variant in disease. Therefore, it has been classified as a Variant of Uncertain Significance. Algorithms developed to predict the effect of missense changes on protein structure and function (SIFT, PolyPhen-2, Align-GVGD) all suggest that this variant is likely to be tolerated. ClinVar contains an entry for this variant (Variation ID: 662145). This variant has not been reported in the literature in individuals affected with CDH1-related conditions. This variant is not present in population databases (gnomAD no frequency). This sequence change replaces histidine, which is basic and polar, with aspartic acid, which is acidic and polar, at codon 123 of the CDH1 protein (p.His123Asp).

NM_004360.5(CDH1):c.367C>G (p.His123Asp)

Gene: CDH1 (cadherin 1; plus strand). Cytogenetic location: 16q22.1.
Variant type: single nucleotide variant.
Coding change: c.367C>G on transcript NM_004360.5 (MANE Select); coding-DNA position 367, C replaced by G.
Protein change: p.His123Asp; replaces histidine 123 with aspartic acid.
Molecular consequence: missense variant. On other transcripts: 5 prime UTR variant (2).
Genome position (GRCh38, 1-based): chr16:68,801,873, C>G. VCF-style: chr16-68801873-C-G. GRCh37 (hg19) VCF-style: chr16-68835776-C-G.
Other names: c.367C>G (LRG_301t1); c.367C>G, p.His123Asp (NM_001317184.2); c.-1249C>G (NM_001317185.2); c.-1453C>G (NM_001317186.2); short protein forms H123D.
Identifiers: ClinVar variation 662145 (VCV000662145.10), dbSNP rs1555514482, ClinGen allele CA396457472.